The following is an entry in ClinVar:

NM_000179.3(MSH6):c.995A>C (p.Glu332Ala)

Gene: MSH6 (mutS homolog 6; plus strand). Cytogenetic location: 2p16.3.
Variant type: single nucleotide variant.
Coding change: c.995A>C on transcript NM_000179.3 (MANE Select); coding-DNA position 995, A replaced by C.
Protein change: p.Glu332Ala; replaces glutamic acid 332 with alanine.
Molecular consequence: missense variant. On other transcripts: non-coding transcript variant (4), intron variant (1).
Genome position (GRCh38, 1-based): chr2:47,798,978, A>C. VCF-style: chr2-47798978-A-C. GRCh37 (hg19) VCF-style: chr2-48026117-A-C.
Other names: c.605A>C, p.Glu202Ala (NM_001281492.2); c.89A>C, p.Glu30Ala (NM_001281493.2, NM_001281494.2, NM_001406811.1 and 6 more transcripts); c.1091A>C, p.Glu364Ala (NM_001406795.1, NM_001406802.1); c.995A>C, p.Glu332Ala (NM_001406796.1, NM_001406798.1, NM_001406800.1 and 4 more transcripts); c.698A>C, p.Glu233Ala (NM_001406797.1, NM_001406801.1, NM_001406805.1 and 10 more transcripts); c.470A>C, p.Glu157Ala (NM_001406799.1, NM_001406806.1, NM_001406807.1); c.917A>C, p.Glu306Ala (NM_001406804.1); c.1001A>C, p.Glu334Ala (NM_001406813.1); and 2 more; short protein forms E157A, E202A, E233A, E276A, E306A, E30A, E332A, E334A.
Identifiers: ClinVar variation 3387058 (VCV003387058.2).
Genomic context (GRCh38, chr2:47,798,978, plus strand): 5'-GGAAAAGCTCTAGGAAGGAAACGCCCTCAGCCACCAAACAAGCAACTAGCATTTCATCAG[A>C]AACCAAGAATACTTTGAGAGCTTTCTCTGCCCCTCAAAATTCTGAATCCCAAGCCCACGT-3'
Protein context (NP_000170.1, residues 322-342): ATKQATSISS[Glu332Ala]TKNTLRAFSA

ClinVar aggregate classification (germline): Uncertain significance. Review status: criteria provided, multiple submitters, no conflicts (2 of 4 stars). 2 submissions from 2 submitters: Uncertain significance (2). Last evaluated 2024-12-29.

Conditions:
Hereditary cancer-predisposing syndrome. Also called: Neoplastic Syndromes, Hereditary; Hereditary Cancer Syndrome; Tumor predisposition; Hereditary neoplastic syndrome. Identifiers: Orphanet 140162, MedGen C0027672, MeSH D009386, MONDO:0015356.
Lynch syndrome. Identifiers: Orphanet 144, MedGen C4552100, MONDO:0005835. Disease mechanism: loss of function.

gnomAD v4.1: 1 of 1,614,248 alleles (0.000062%); highest among the groups gnomAD compares: Non-Finnish European, 0.000085%; no homozygotes.

Submissions (2):

Ambry Genetics
Classification: Uncertain significance for Hereditary cancer-predisposing syndrome. Last evaluated: 2024-12-29. Review status: criteria provided, single submitter. Criteria: Ambry Variant Classification Scheme 2023. Collection method: clinical testing. Allele origin: germline.
Comment: The p.E332A variant (also known as c.995A>C), located in coding exon 4 of the MSH6 gene, results from an A to C substitution at nucleotide position 995. The glutamic acid at codon 332 is replaced by alanine, an amino acid with dissimilar properties. This amino acid position is conserved. In addition, the in silico prediction for this alteration is inconclusive. Based on the available evidence, the clinical significance of this variant remains unclear.

All of Us Research Program, National Institutes of Health
Classification: Uncertain significance for Lynch syndrome. Last evaluated: 2024-05-30. Review status: criteria provided, single submitter. Criteria: ACMG Guidelines, 2015. Collection method: clinical testing. Allele origin: germline. Inheritance: Autosomal dominant inheritance. Observed: 1 variant allele, 1 heterozygote.
Comment: This missense variant replaces glutamic acid with alanine at codon 332 of the MSH6 protein. Computational prediction suggests that this variant may not impact protein structure and function (internally defined REVEL score threshold <= 0.5, PMID: 27666373). To our knowledge, functional studies have not been reported for this variant. This variant has not been reported in individuals affected with MSH6-related disorders in the literature. This variant has been identified in 1/251378 chromosomes in the general population by the Genome Aggregation Database (gnomAD). The available evidence is insufficient to determine the role of this variant in disease conclusively. Therefore, this variant is classified as a Variant of Uncertain Significance.

This study involves interpretation of variants in research participants for the purpose of population health screening. Participant phenotype was not available at the time of variant classification. Additional details can be found in publication PMID: 35346344, PMCID: PMC8962531